The following is an entry in ClinVar:

NM_001042492.3(NF1):c.5960A>G (p.Gln1987Arg)

Gene: NF1 (neurofibromin 1; plus strand). Cytogenetic location: 17q11.2.
Variant type: single nucleotide variant.
Coding change: c.5960A>G on transcript NM_001042492.3 (MANE Select); coding-DNA position 5960, A replaced by G.
Protein change: p.Gln1987Arg; replaces glutamine 1987 with arginine.
Molecular consequence: missense variant.
Genome position (GRCh38, 1-based): chr17:31,334,985, A>G. VCF-style: chr17-31334985-A-G. GRCh37 (hg19) VCF-style: chr17-29662003-A-G.
Other names: c.5897A>G, p.Gln1966Arg (NM_000267.4); short protein forms Q1966R, Q1987R.
Identifiers: ClinVar variation 1413646 (VCV001413646.6), dbSNP rs2151550646, ClinGen allele CA399010875.
Genomic context (GRCh38, chr17:31,334,985, plus strand): 5'-AACGACAAAGAGTTACTGCTATTCTTGACAAGCTGATAACAATGACCATCAATGAAAAAC[A>G]GATGTACCCATCTATTCAAGCAAAAATATGGGGAAGCCTTGGGCAGGTATTGAGTTTGCT-3'
Protein context (NP_001035957.1, residues 1977-1997): KLITMTINEK[Gln1987Arg]MYPSIQAKIW

ClinVar aggregate classification (germline): Uncertain significance (1 of 4 stars; one submission).

Conditions:
Neurofibromatosis, type 1 (NF1). Also called: Peripheral type neurofibromatosis; Neurofibromatosis, type I; VON RECKLINGHAUSEN DISEASE; NEUROFIBROMATOSIS, TYPE I, SOMATIC. Identifiers: Orphanet 636, MedGen C0027831, MONDO:0018975, OMIM 162200. Disease mechanism: loss of function.

Submission:

Labcorp Genetics (formerly Invitae), Labcorp
Classification: Uncertain significance for Neurofibromatosis, type 1. Last evaluated: 2021-11-25. Review status: criteria provided, single submitter. Criteria: Invitae Variant Classification Sherloc (09022015). Collection method: clinical testing. Allele origin: germline.
Comment: In summary, the available evidence is currently insufficient to determine the role of this variant in disease. Therefore, it has been classified as a Variant of Uncertain Significance. Advanced modeling of protein sequence and biophysical properties (such as structural, functional, and spatial information, amino acid conservation, physicochemical variation, residue mobility, and thermodynamic stability) performed at Invitae indicates that this missense variant is expected to disrupt NF1 protein function. This variant has not been reported in the literature in individuals affected with NF1-related conditions. This variant is not present in population databases (gnomAD no frequency). This sequence change replaces glutamine, which is neutral and polar, with arginine, which is basic and polar, at codon 1966 of the NF1 protein (p.Gln1966Arg).